The following is an entry in ClinVar:

ClinVar aggregate classification (germline): Likely benign. Review status: criteria provided, multiple submitters, no conflicts (2 of 4 stars). 2 submissions from 2 submitters: Likely benign (2). Last evaluated 2025-11-12.

Conditions:
ANLN-related disorder. Also called: ANLN-related condition.

gnomAD v4.1: 131 of 1,610,640 alleles (0.0081%); highest among the groups gnomAD compares: South Asian, 0.098%; no homozygotes.

Submissions (2):

Labcorp Genetics (formerly Invitae), Labcorp
Classification: Likely benign. Last evaluated: 2025-11-12. Review status: criteria provided, single submitter. Criteria: Invitae Variant Classification Sherloc (09022015). Collection method: clinical testing. Allele origin: germline.

PreventionGenetics, part of Exact Sciences
Classification: Likely benign for ANLN-related condition. Last evaluated: 2025-04-29. Review status: criteria provided, single submitter. Criteria: ACMG Guidelines, 2015. Collection method: clinical testing. Allele origin: germline.
Comment: This variant is classified as likely benign based on ACMG/AMP sequence variant interpretation guidelines (Richards et al. 2015 PMID: 25741868, with internal and published modifications).

NM_018685.5(ANLN):c.1642C>T (p.Arg548Cys)

Gene: ANLN (anillin, actin binding protein; plus strand). Cytogenetic location: 7p14.2.
Variant type: single nucleotide variant.
Coding change: c.1642C>T on transcript NM_018685.5 (MANE Select); coding-DNA position 1642, C replaced by T.
Protein change: p.Arg548Cys; replaces arginine 548 with cysteine.
Molecular consequence: missense variant.
Genome position (GRCh38, 1-based): chr7:36,419,252, C>T. VCF-style: chr7-36419252-C-T. GRCh37 (hg19) VCF-style: chr7-36458861-C-T.
Other names: c.1531C>T, p.Arg511Cys (NM_001284301.3); c.1528C>T, p.Arg510Cys (NM_001284302.3); c.1642C>T (NM_018685.4); short protein forms R510C, R511C, R548C.
Identifiers: ClinVar variation 3605320 (VCV003605320.3).